The following is an entry in ClinVar:

NM_002775.5(HTRA1):c.1094C>T (p.Thr365Met)

Gene: HTRA1 (HtrA serine peptidase 1; plus strand). Cytogenetic location: 10q26.13.
Variant type: single nucleotide variant.
Coding change: c.1094C>T on transcript NM_002775.5 (MANE Select); coding-DNA position 1094, C replaced by T.
Protein change: p.Thr365Met; replaces threonine 365 with methionine.
Molecular consequence: missense variant.
Genome position (GRCh38, 1-based): chr10:122,508,744, C>T. VCF-style: chr10-122508744-C-T. GRCh37 (hg19) VCF-style: chr10-124268260-C-T.
Other names: short protein forms T365M.
Identifiers: ClinVar variation 731317 (VCV000731317.13), dbSNP rs139620409, ClinGen allele CA5726040.

ClinVar aggregate classification (germline): Conflicting classifications of pathogenicity. Review status: criteria provided, conflicting classifications (1 of 4 stars). 3 submissions from 3 submitters: Uncertain significance (1); Likely benign (2). Last evaluated 2026-04-14.

Conditions:
Macular degeneration. Also called: Degenerative disorder of macula. Identifiers: MedGen C0024437, MONDO:0003004, HP:0000608.

Allele frequency attached by ClinVar (database versions not stated): ExAC 0.00015; gnomAD exomes 0.00015; 1000 Genomes Project 30x 0.00016; 1000 Genomes Project 0.00020; gnomAD 0.00052 and 0.00056; ESP Exome Variant Server 0.00054; TOPMed 0.00057.
gnomAD v4.1: 191 of 1,612,734 alleles (0.012%); highest among the groups gnomAD compares: African/African-American, 0.21%; no homozygotes.

Submissions (3):

Women's Health and Genetics/Laboratory Corporation of America, LabCorp
Classification: Uncertain significance. Last evaluated: 2026-04-14. Review status: criteria provided, single submitter. Criteria: LabCorp Variant Classification Summary - May 2015. Collection method: clinical testing. Allele origin: germline.
Comment: Variant summary: HTRA1 c.1094C>T (p.Thr365Met) results in a non-conservative amino acid change in the encoded protein sequence. Algorithms developed to predict the effect of missense changes on protein structure and function are either unavailable or do not agree on the potential impact of this missense change. The variant allele was found at a frequency of 0.00015 in 251440 control chromosomes. This frequency is not significantly higher than estimated for disease-causing variants in HTRA1, allowing no conclusion about variant significance. To our knowledge, no occurrence of c.1094C>T in individuals affected with HTRA1-related conditions and no experimental evidence demonstrating its impact on protein function have been reported. ClinVar contains an entry for this variant (Variation ID: 731317). Based on the evidence outlined above, the variant was classified as uncertain significance.

Labcorp Genetics (formerly Invitae), Labcorp
Classification: Likely benign. Last evaluated: 2025-11-03. Review status: criteria provided, single submitter. Criteria: Invitae Variant Classification Sherloc (09022015). Collection method: clinical testing. Allele origin: germline.

Illumina Laboratory Services, Illumina
Classification: Likely benign for Macular degeneration. Last evaluated: 2018-01-13. Review status: criteria provided, single submitter. Criteria: ICSL Variant Classification Criteria 13 December 2019. Collection method: clinical testing. Allele origin: germline.
Comment: This variant was observed in the ICSL laboratory as part of a predisposition screen in an ostensibly healthy population. It had not been previously curated by ICSL or reported in the Human Gene Mutation Database (HGMD: prior to June 1st, 2018), and was therefore a candidate for classification through an automated scoring system. Utilizing variant allele frequency, disease prevalence and penetrance estimates, and inheritance mode, an automated score was calculated to assess if this variant is too frequent to cause the disease. Based on the score and internal cut-off values, a variant classified as likely benign is not then subjected to further curation. The score for this variant resulted in a classification of likely benign for this disease.